The following is an entry in ClinVar:

NM_016111.4(TELO2):c.2026C>T (p.Leu676Phe)

Gene: TELO2 (telomere maintenance 2; plus strand). Cytogenetic location: 16p13.3.
Variant type: single nucleotide variant.
Coding change: c.2026C>T on transcript NM_016111.4 (MANE Select); coding-DNA position 2026, C replaced by T.
Protein change: p.Leu676Phe; replaces leucine 676 with phenylalanine.
Molecular consequence: missense variant.
Genome position (GRCh38, 1-based): chr16:1,505,593, C>T. VCF-style: chr16-1505593-C-T. GRCh37 (hg19) VCF-style: chr16-1555594-C-T.
Other names: c.2026C>T, p.Leu676Phe (NM_001351846.2); short protein forms L676F.
Identifiers: ClinVar variation 1309041 (VCV001309041.4), dbSNP rs760719554, ClinGen allele CA7812429.
Genomic context (GRCh38, chr16:1,505,593, plus strand): 5'-GCCGTGGCGTCTGACTGGCGGGTGGTGGTGGAGGAGCGGATCAGAAGCAAGACCCAGCGG[C>T]TCTCCAAGGTTAGTGGCGCCTGGTCAGCTCCTCACGGGCATGGGGACCGTGGGTGGGTGG-3'
Protein context (NP_057195.2, residues 666-686): EERIRSKTQR[Leu676Phe]SKGGPRQGPA

ClinVar aggregate classification (germline): Conflicting classifications of pathogenicity. Review status: criteria provided, conflicting classifications (1 of 4 stars). 2 submissions from 2 submitters: Uncertain significance (1); Likely benign (1). Last evaluated 2022-01-26.

Conditions:
Inborn genetic diseases. Identifiers: MedGen C0950123, MeSH D030342.

Allele frequency attached by ClinVar (database versions not stated): gnomAD exomes 0.00001 and 0.00002; TOPMed 0.00001; ExAC 0.00002.
gnomAD v4.1: 7 of 1,611,356 alleles (0.00043%); highest among the groups gnomAD compares: Admixed American, 0.01%; no homozygotes.

Submissions (2):

Ambry Genetics
Classification: Likely benign for Inborn genetic diseases. Last evaluated: 2022-01-26. Review status: criteria provided, single submitter. Criteria: Ambry Variant Classification Scheme 2023. Collection method: clinical testing. Allele origin: germline.

GeneDx
Classification: Uncertain significance. Last evaluated: 2019-10-03. Review status: criteria provided, single submitter. Criteria: GeneDx Variant Classification Process June 2021. Collection method: clinical testing. Allele origin: germline. Affected: yes.
Comment: In silico analysis, which includes protein predictors and evolutionary conservation, supports that this variant does not alter protein structure/function; Has not been previously published as pathogenic or benign to our knowledge